The following is an entry in ClinVar:

NM_006031.6(PCNT):c.1886C>A (p.Ser629Ter)

Gene: PCNT (pericentrin; plus strand). Cytogenetic location: 21q22.3.
Variant type: single nucleotide variant.
Coding change: c.1886C>A on transcript NM_006031.6 (MANE Select); coding-DNA position 1886, C replaced by A.
Protein change: p.Ser629Ter; replaces serine 629 with a stop codon.
Molecular consequence: nonsense.
Genome position (GRCh38, 1-based): chr21:46,355,576, C>A. VCF-style: chr21-46355576-C-A. GRCh37 (hg19) VCF-style: chr21-47775491-C-A.
Other names: c.1532C>A, p.Ser511Ter (NM_001315529.2); short protein forms S511*, S629*.
Identifiers: ClinVar variation 3896382 (VCV003896382.2).
Genomic context (GRCh38, chr21:46,355,576, plus strand): 5'-AGTCTCCCCTCTGCATCCAGCACGAGGGGCATGTCTCAGACAGATGCTGCGTAGAGACTT[C>A]AGCATTGGGACACGAGTGGCGTCTGGAACCCTCTGAAGGGCACAGCCAAGGTGGGCCCCT-3'

ClinVar aggregate classification (germline): Pathogenic (1 of 4 stars; one submission).

Conditions:
Microcephalic osteodysplastic primordial dwarfism type II (MOPD2). Also called: MOPD II; OSTEODYSPLASTIC PRIMORDIAL DWARFISM, TYPE II; Microcephalic osteodysplastic primordial dwarfism with tooth abnormalities. Identifiers: Orphanet 2637, MedGen C0432246, MONDO:0008872, OMIM 210720.

gnomAD v4.1: 18 of 1,614,018 alleles (0.0011%); highest among the groups gnomAD compares: African/African-American, 0.023%; no homozygotes.

Submission:

Women's Health and Genetics/Laboratory Corporation of America, LabCorp
Classification: Pathogenic for Microcephalic osteodysplastic primordial dwarfism type II. Last evaluated: 2025-04-09. Review status: criteria provided, single submitter. Criteria: LabCorp Variant Classification Summary - May 2015. Collection method: clinical testing. Allele origin: germline.
Comment: Variant summary: PCNT c.1886C>A (p.Ser629X) results in a premature termination codon, predicted to cause a truncation of the encoded protein or absence of the protein due to nonsense mediated decay, which are commonly known mechanisms for disease. The variant allele was found at a frequency of 1.2e-05 in 251264 control chromosomes (gnomAD). To our knowledge, no occurrence of c.1886C>A in individuals affected with Microcephalic Osteodysplastic Primordial Dwarfism Type II and no experimental evidence demonstrating its impact on protein function have been reported. No submitters have cited clinical-significance assessments for this variant to ClinVar. Based on the evidence outlined above, the variant was classified as pathogenic.